The following is an entry in ClinVar:

ClinVar aggregate classification (germline): Likely pathogenic (1 of 4 stars; one submission).

Conditions:
Charcot-Marie-Tooth disease type 4C (CMT4C). Also called: CHARCOT-MARIE-TOOTH DISEASE, DEMYELINATING, AUTOSOMAL RECESSIVE, TYPE 4C; CMT 4C; Charcot-Marie-Tooth Neuropathy Type 4C (CMT4C); CHARCOT-MARIE-TOOTH DISEASE, DEMYELINATING, TYPE 4C; SH3TC2-Related Hereditary Motor and Sensory Neuropathy. Identifiers: Orphanet 99949, MedGen C1866636, MONDO:0011113, OMIM 601596.

Allele frequency attached by ClinVar (database versions not stated): gnomAD exomes 0.00001; ExAC 0.00002.
gnomAD v4.1: 9 of 1,614,196 alleles (0.00056%); highest among the groups gnomAD compares: Non-Finnish European, 0.00076%; no homozygotes.

Submission:

Genetics and Molecular Pathology, SA Pathology
Classification: Likely pathogenic for Charcot-Marie-Tooth disease type 4C. Last evaluated: 2022-02-08. Review status: criteria provided, single submitter. Criteria: ACMG Guidelines, 2015. Collection method: clinical testing. Allele origin: germline. Inheritance: Autosomal recessive inheritance. Affected: yes.
Comment: The SH3TC2 c.2577T>A variant is classified as LIKELY PATHOGENIC (PVS1, PM3) The SH3TC2 c.2577T>A variant is a single nucleotide change which is predicted to result in premature termination of the protein product at codon 859 (PVS1). This variant has been reported in dbSNP (rs758871406) but is rare in population databases (gnomAD 3/251266 alleles, no homozygotes). This variant has not been reported in the ClinVar or HGMD disease databases.

NM_024577.4(SH3TC2):c.2577T>A (p.Tyr859Ter)

Gene: SH3TC2 (SH3 domain and tetratricopeptide repeats 2; minus strand). Cytogenetic location: 5q32.
Variant type: single nucleotide variant.
Coding change: c.2577T>A on transcript NM_024577.4 (MANE Select); coding-DNA position 2577, T replaced by A.
Protein change: p.Tyr859Ter; replaces tyrosine 859 with a stop codon.
Molecular consequence: nonsense.
Genome position (GRCh38, 1-based): chr5:149,027,155, A>T on the plus strand (T>A on the coding strand, the complement: SH3TC2 is on the minus strand). VCF-style: chr5-149027155-A-T. GRCh37 (hg19) VCF-style: chr5-148406718-A-T.
Other names: short protein forms Y859*.
Identifiers: ClinVar variation 1698933 (VCV001698933.2), dbSNP rs758871406, ClinGen allele CA3498968.
Genomic context (GRCh38, chr5:149,027,155, plus strand): 5'-CATAGCCACTGCCTGGTTATGCACATCTCCCACCTCCTGGGCTCTGTTCAAGGCCCGAAG[A>T]TAGCTCTTGGCTGCCCTGTTCACCCGGCCTTCACCTTGGAGTGCAAGTCCCAGGAGGTTA-3'